The following is an entry in ClinVar:

NM_003242.6(TGFBR2):c.1493C>A (p.Pro498Gln)

Gene: TGFBR2 (transforming growth factor beta receptor 2; plus strand). Cytogenetic location: 3p24.1.
Variant type: single nucleotide variant.
Coding change: c.1493C>A on transcript NM_003242.6 (MANE Select); coding-DNA position 1493, C replaced by A.
Protein change: p.Pro498Gln; replaces proline 498 with glutamine.
Molecular consequence: missense variant.
Genome position (GRCh38, 1-based): chr3:30,688,480, C>A. VCF-style: chr3-30688480-C-A. GRCh37 (hg19) VCF-style: chr3-30729972-C-A.
Other names: c.1568C>A, p.Pro523Gln (NM_001024847.3); c.1676C>A, p.Pro559Gln (NM_001407126.1); c.1601C>A, p.Pro534Gln (NM_001407127.1); c.1520C>A, p.Pro507Gln (NM_001407128.1); c.1496C>A, p.Pro499Gln (NM_001407129.1); c.1490C>A, p.Pro497Gln (NM_001407130.1); c.1388C>A, p.Pro463Gln (NM_001407132.1, NM_001407133.1, NM_001407134.1 and 2 more transcripts); c.1208C>A, p.Pro403Gln (NM_001407137.1); and 2 more; short protein forms P497Q, P498Q, P507Q, P559Q, P534Q, P208Q, P378Q, P463Q.
Identifiers: ClinVar variation 2830099 (VCV002830099.3), dbSNP rs1699661646, ClinGen allele CA351809394.

ClinVar aggregate classification (germline): Uncertain significance (1 of 4 stars; one submission).

Conditions:
Familial thoracic aortic aneurysm and aortic dissection (TAAD). Also called: Thoracic aortic aneurysms and dissections. Identifiers: Orphanet 91387, MedGen C4707243, MONDO:0019625.

Submission:

Labcorp Genetics (formerly Invitae), Labcorp
Classification: Uncertain significance for Familial thoracic aortic aneurysm and aortic dissection. Last evaluated: 2023-01-19. Review status: criteria provided, single submitter. Criteria: Invitae Variant Classification Sherloc (09022015). Collection method: clinical testing. Allele origin: germline.
Comment: This variant has not been reported in the literature in individuals affected with TGFBR2-related conditions. In summary, the available evidence is currently insufficient to determine the role of this variant in disease. Therefore, it has been classified as a Variant of Uncertain Significance. Advanced modeling of protein sequence and biophysical properties (such as structural, functional, and spatial information, amino acid conservation, physicochemical variation, residue mobility, and thermodynamic stability) performed at Invitae indicates that this missense variant is expected to disrupt TGFBR2 protein function. This variant is not present in population databases (gnomAD no frequency). This sequence change replaces proline, which is neutral and non-polar, with glutamine, which is neutral and polar, at codon 498 of the TGFBR2 protein (p.Pro498Gln).